The following is an entry in ClinVar:

ClinVar aggregate classification (germline): Uncertain significance (1 of 4 stars; one submission).

Conditions:
Autosomal dominant nonsyndromic hearing loss 1. Also called: KONIGSMARK SYNDROME; DEAFNESS, AUTOSOMAL DOMINANT 1, WITH OR WITHOUT THROMBOCYTOPENIA. Identifiers: Orphanet 90635, MedGen C1852282, MONDO:0007424, OMIM 124900.
Progressive microcephaly-seizures-cortical blindness-developmental delay syndrome. Also called: Seizures, cortical blindness, and microcephaly syndrome. Identifiers: Orphanet 477814, MedGen C5567650, MONDO:0014714, OMIM 616632.

Submission:

Labcorp Genetics (formerly Invitae), Labcorp
Classification: Uncertain significance for Progressive microcephaly-seizures-cortical blindness-developmental delay syndrome; Autosomal dominant nonsyndromic hearing loss 1. Last evaluated: 2024-02-24. Review status: criteria provided, single submitter. Criteria: Invitae Variant Classification Sherloc (09022015). Collection method: clinical testing. Allele origin: germline.
Comment: This sequence change replaces glycine, which is neutral and non-polar, with glutamic acid, which is acidic and polar, at codon 546 of the DIAPH1 protein (p.Gly546Glu). This variant is not present in population databases (gnomAD no frequency). This variant has not been reported in the literature in individuals affected with DIAPH1-related conditions. ClinVar contains an entry for this variant (Variation ID: 1977266). Algorithms developed to predict the effect of missense changes on protein structure and function output the following: SIFT: "Not Available"; PolyPhen-2: "Not Available"; Align-GVGD: "Not Available". The glutamic acid amino acid residue is found in multiple mammalian species, which suggests that this missense change does not adversely affect protein function. In summary, the available evidence is currently insufficient to determine the role of this variant in disease. Therefore, it has been classified as a Variant of Uncertain Significance.

NM_005219.5(DIAPH1):c.1637G>A (p.Gly546Glu)

Gene: DIAPH1 (diaphanous related formin 1; minus strand). Cytogenetic location: 5q31.3.
Variant type: single nucleotide variant.
Coding change: c.1637G>A on transcript NM_005219.5 (MANE Select); coding-DNA position 1637, G replaced by A.
Protein change: p.Gly546Glu; replaces glycine 546 with glutamic acid.
Molecular consequence: missense variant.
Genome position (GRCh38, 1-based): chr5:141,574,971, C>T on the plus strand (G>A on the coding strand, the complement: DIAPH1 is on the minus strand). VCF-style: chr5-141574971-C-T. GRCh37 (hg19) VCF-style: chr5-140954538-C-T.
Other names: c.1610G>A, p.Gly537Glu (NM_001079812.3); c.1637G>A, p.Gly546Glu (NM_001314007.2); short protein forms G537E, G546E.
Identifiers: ClinVar variation 1977266 (VCV001977266.5), dbSNP rs2513745483, ClinGen allele CA361522914.